The following is an entry in ClinVar:

ClinVar aggregate classification (germline): Uncertain significance (0 of 4 stars; one submission).

Conditions:
Hereditary spastic paraplegia 31. Also called: SPASTIC PARAPLEGIA 31, AUTOSOMAL DOMINANT. Identifiers: Orphanet 101011, MedGen C1853247, MONDO:0012453, OMIM 610250.

gnomAD v4.1: 1 of 152,140 alleles (0.00066%); highest among the groups gnomAD compares: Non-Finnish European, 0.0015%; no homozygotes.

Submission:

Solve-RD Consortium
Classification: Uncertain significance for Hereditary spastic paraplegia 31. Last evaluated: 2024-09-01. Review status: no assertion criteria provided. Collection method: research. Allele origin: germline. Affected: yes. Study: Solve-RD Consortium.
Comment: This deep-intronic substitution segregates with disease in the duo. The variant has slight predictions to alter splicing by activation of a cryptic donor site. Loss/of function variants including splice-altering intronic variants in REEP1 have previously been reported as causative in AD-HSP families (PMID: 16826527) but this specific variant has not been earlier described and lacks proof of splice-altering effect. The variant was thus classified as a variant of unknown significance by the referring clinical team.

Variant identified during long-read sequencing analysis of unsolved cases by the Solve-RD project. The Solve-RD project has received funding from the European Union’s Horizon 2020 research and innovation programme under grant agreement No 779257.

NM_001371279.1(REEP1):c.32+9675A>G

Gene: REEP1 (receptor accessory protein 1; minus strand). Cytogenetic location: 2p11.2.
Variant type: single nucleotide variant.
Coding change: c.32+9675A>G on transcript NM_001371279.1 (MANE Select); 9675 bases into the intron after coding-DNA position 32, A replaced by G.
Molecular consequence: intron variant.
Genome position (GRCh38, 1-based): chr2:86,327,804, T>C on the plus strand (A>G on the coding strand, the complement: REEP1 is on the minus strand). VCF-style: chr2-86327804-T-C. GRCh37 (hg19) VCF-style: chr2-86554927-T-C.
Other names: c.32+9675A>G (NM_001371280.1, NM_022912.3, NM_001410855.1 and 2 more transcripts); c.53+10220A>G (NM_001164730.2); c.24+9675A>G (NM_001164731.2).
Identifiers: ClinVar variation 3731303 (VCV003731303.1).